The following is an entry in ClinVar:

ClinVar aggregate classification (germline): Uncertain significance. Review status: criteria provided, single submitter (1 of 4 stars). 2 submissions from 2 submitters: Uncertain significance (1). 1 of the submissions does not count toward it. Last evaluated 2018-01-12.

Conditions:
Holoprosencephaly 9 (HPE9). Also called: HOLOPROSENCEPHALY WITH MICROPHTHALMIA AND FIRST BRANCHIAL ARCH ANOMALIES; PITUITARY ANOMALIES WITH HOLOPROSENCEPHALY-LIKE FEATURES. Identifiers: Orphanet 2162, MedGen C1835819, MONDO:0012563, OMIM 610829.
GLI2-related disorder. Also called: GLI2-related disorders; GLI2-related condition.

Allele frequency attached by ClinVar (database versions not stated): gnomAD exomes below 0.00001 and 0.00003; TOPMed 0.00001; gnomAD 0.00002.
gnomAD v4.1: 20 of 1,613,766 alleles (0.0012%); highest among the groups gnomAD compares: Non-Finnish European, 0.0017%; no homozygotes.

Submissions (2):

Illumina Laboratory Services, Illumina
Classification: Uncertain significance for Holoprosencephaly 9. Last evaluated: 2018-01-12. Review status: criteria provided, single submitter. Criteria: ICSL Variant Classification Criteria 13 December 2019. Collection method: clinical testing. Allele origin: germline.

PreventionGenetics, part of Exact Sciences
Classification: Uncertain significance for GLI2-related condition. Last evaluated: 2024-05-30. Review status: no assertion criteria provided. Collection method: clinical testing. Allele origin: germline. Not counted in ClinVar's aggregate classification.
Comment: The GLI2 c.1360C>G variant is predicted to result in the amino acid substitution p.Leu454Val. To our knowledge, this variant has not been reported in the literature. This variant is reported in 0.0016% of alleles in individuals of European (Non-Finnish) descent in gnomAD. At this time, the clinical significance of this variant is uncertain due to the absence of conclusive functional and genetic evidence.

NM_001374353.1(GLI2):c.1309C>G (p.Leu437Val)

Gene: GLI2 (GLI family zinc finger 2; plus strand). Cytogenetic location: 2q14.2.
Variant type: single nucleotide variant.
Coding change: c.1309C>G on transcript NM_001374353.1 (MANE Select); coding-DNA position 1309, C replaced by G.
Protein change: p.Leu437Val; replaces leucine 437 with valine.
Molecular consequence: missense variant.
Genome position (GRCh38, 1-based): chr2:120,975,101, C>G. VCF-style: chr2-120975101-C-G. GRCh37 (hg19) VCF-style: chr2-121732677-C-G.
Other names: c.1360C>G, p.Leu454Val (NM_001371271.1, NM_005270.5); c.934C>G, p.Leu312Val (NM_001374354.1); short protein forms L454V, L437V, L312V.
Identifiers: ClinVar variation 892576 (VCV000892576.6), dbSNP rs1159158222, ClinGen allele CA348161330.